The following is an entry in ClinVar:

NM_001009999.3(KDM1A):c.314C>T (p.Pro105Leu)

Gene: KDM1A (lysine demethylase 1A; plus strand). Cytogenetic location: 1p36.12.
Variant type: single nucleotide variant.
Coding change: c.314C>T on transcript NM_001009999.3 (MANE Select); coding-DNA position 314, C replaced by T.
Protein change: p.Pro105Leu; replaces proline 105 with leucine.
Molecular consequence: missense variant.
Genome position (GRCh38, 1-based): chr1:23,019,910, C>T. VCF-style: chr1-23019910-C-T. GRCh37 (hg19) VCF-style: chr1-23346403-C-T.
Other names: c.314C>T, p.Pro105Leu (NM_001363654.2, NM_001410762.1, NM_001410763.1 and 1 more transcripts); short protein forms P105L.
Identifiers: ClinVar variation 4042092 (VCV004042092.1).

ClinVar aggregate classification (germline): Uncertain significance (1 of 4 stars; one submission).

Conditions:
Inborn genetic diseases. Identifiers: MedGen C0950123, MeSH D030342.

gnomAD v4.1: 1 of 1,573,050 alleles (0.000064%); highest among the groups gnomAD compares: Non-Finnish European, 0.000086%; no homozygotes.

Submission:

Ambry Genetics
Classification: Uncertain significance for Inborn genetic diseases. Last evaluated: 2025-04-06. Review status: criteria provided, single submitter. Criteria: Ambry Variant Classification Scheme 2023. Collection method: clinical testing. Allele origin: germline.
Comment: The p.P105L variant (also known as c.314C>T), located in coding exon 1 of the KDM1A gene, results from a C to T substitution at nucleotide position 314. The proline at codon 105 is replaced by leucine, an amino acid with similar properties. This amino acid position is conserved. In addition, this alteration is predicted to be tolerated by in silico analysis. Based on the available evidence, the clinical significance of this variant remains unclear.